The following is an entry in ClinVar:

ClinVar aggregate classification (germline): Uncertain significance. Review status: criteria provided, multiple submitters, no conflicts (2 of 4 stars). 2 submissions from 2 submitters: Uncertain significance (2). Last evaluated 2024-03-25.

Conditions:
Isolated microphthalmia 5. Also called: Posterior Microphthalmia with Retinitis Pigmentosa, Foveoschisis, and Optic Disc Drusen. Identifiers: Orphanet 251279, MedGen C1970236, MONDO:0012605, OMIM 611040.

Allele frequency attached by ClinVar (database versions not stated): gnomAD 0.00007; ESP Exome Variant Server 0.00015; ExAC 0.00002; gnomAD exomes 0.00005; TOPMed 0.00005; 1000 Genomes Project 0.00020; 1000 Genomes Project 30x 0.00031.
gnomAD v4.1: 86 of 1,613,976 alleles (0.0053%); highest among the groups gnomAD compares: Non-Finnish European, 0.0069%; no homozygotes.

Submissions (2):

Blueprint Genetics
Classification: Uncertain significance. Last evaluated: 2024-03-25. Review status: criteria provided, single submitter. Criteria: ACMG Guidelines, 2015. Collection method: clinical testing. Allele origin: germline.

Labcorp Genetics (formerly Invitae), Labcorp
Classification: Uncertain significance for Isolated microphthalmia 5. Last evaluated: 2022-07-05. Review status: criteria provided, single submitter. Criteria: Invitae Variant Classification Sherloc (09022015). Collection method: clinical testing. Allele origin: germline.
Comment: This sequence change replaces alanine, which is neutral and non-polar, with valine, which is neutral and non-polar, at codon 124 of the MFRP protein (p.Ala124Val). This variant is present in population databases (rs142584359, gnomAD 0.009%). This variant has not been reported in the literature in individuals affected with MFRP-related conditions. Algorithms developed to predict the effect of missense changes on protein structure and function are either unavailable or do not agree on the potential impact of this missense change (SIFT: "Deleterious"; PolyPhen-2: "Benign"; Align-GVGD: "Class C0"). Algorithms developed to predict the effect of sequence changes on RNA splicing suggest that this variant may create or strengthen a splice site. In summary, the available evidence is currently insufficient to determine the role of this variant in disease. Therefore, it has been classified as a Variant of Uncertain Significance.

NM_031433.4(MFRP):c.371C>T (p.Ala124Val)

Genes: C1QTNF5 (C1q and TNF related 5; minus strand), MFRP (membrane frizzled-related protein; minus strand). Cytogenetic location: 11q23.3.
Variant type: single nucleotide variant.
Coding change: c.371C>T on transcript NM_031433.4 (MANE Select); coding-DNA position 371, C replaced by T.
Protein change: p.Ala124Val; replaces alanine 124 with valine.
Molecular consequence: missense variant. On other transcripts: 5 prime UTR variant (1).
Genome position (GRCh38, 1-based): chr11:119,345,829, G>A on the plus strand (C>T on the coding strand, the complement: MFRP is on the minus strand). VCF-style: chr11-119345829-G-A. GRCh37 (hg19) VCF-style: chr11-119216539-G-A.
Other names: c.-2266C>T (NM_015645.5); short protein forms A124V.
Identifiers: ClinVar variation 2037492 (VCV002037492.2), dbSNP rs142584359, ClinGen allele CA6320597.